The following is an entry in ClinVar:

ClinVar aggregate classification (germline): Uncertain significance. Review status: criteria provided, multiple submitters, no conflicts (2 of 4 stars). 2 submissions from 2 submitters: Uncertain significance (2). Last evaluated 2026-04-11.

Conditions:
Inborn genetic diseases. Identifiers: MedGen C0950123, MeSH D030342.

gnomAD v4.1: 2 of 1,612,262 alleles (0.00012%); highest among the groups gnomAD compares: Admixed American, 0.0017%; no homozygotes.

Submissions (2):

Ambry Genetics
Classification: Uncertain significance for Inborn genetic diseases. Last evaluated: 2026-04-11. Review status: criteria provided, single submitter. Criteria: Ambry Variant Classification Scheme 2023. Collection method: clinical testing. Allele origin: germline.

Labcorp Genetics (formerly Invitae), Labcorp
Classification: Uncertain significance. Last evaluated: 2025-04-16. Review status: criteria provided, single submitter. Criteria: Invitae Variant Classification Sherloc (09022015). Collection method: clinical testing. Allele origin: germline.
Comment: This sequence change replaces arginine, which is basic and polar, with threonine, which is neutral and polar, at codon 1438 of the USH2A protein (p.Arg1438Thr). This variant is not present in population databases (gnomAD no frequency). This variant has not been reported in the literature in individuals affected with USH2A-related conditions. ClinVar contains an entry for this variant (Variation ID: 2172584). Invitae Evidence Modeling of protein sequence and biophysical properties (such as structural, functional, and spatial information, amino acid conservation, physicochemical variation, residue mobility, and thermodynamic stability) indicates that this missense variant is not expected to disrupt USH2A protein function with a negative predictive value of 95%. In summary, the available evidence is currently insufficient to determine the role of this variant in disease. Therefore, it has been classified as a Variant of Uncertain Significance.

NM_206933.4(USH2A):c.4313G>C (p.Arg1438Thr)

Gene: USH2A (usherin; minus strand). Cytogenetic location: 1q41.
Variant type: single nucleotide variant.
Coding change: c.4313G>C on transcript NM_206933.4 (MANE Select); coding-DNA position 4313, G replaced by C.
Protein change: p.Arg1438Thr; replaces arginine 1438 with threonine.
Molecular consequence: missense variant.
Genome position (GRCh38, 1-based): chr1:216,190,306, C>G on the plus strand (G>C on the coding strand, the complement: USH2A is on the minus strand). VCF-style: chr1-216190306-C-G. GRCh37 (hg19) VCF-style: chr1-216363648-C-G.
Other names: c.4313G>C (NM_206933.2); c.4313G>C, p.Arg1438Thr (NM_007123.6); short protein forms R1438T.
Identifiers: ClinVar variation 2172584 (VCV002172584.3), dbSNP rs876657627, ClinGen allele CA344865370.
Genomic context (GRCh38, chr1:216,190,306, plus strand): 5'-CCCGAAGCACTGGTCACACAACCAACTGAATTGCAGAGAGTAATAGTAAACTCATATATC[C>G]TATAAGGTTTCAGTCCTTCTACAGTGTAAGATAGTTCTTGGGATTTAGCAGTGTGCAACA-3'
Protein context (NP_996816.3, residues 1428-1448): SYTVEGLKPY[Arg1438Thr]IYEFTITLCN